The following is an entry in ClinVar:

ClinVar aggregate classification (germline): Pathogenic. Review status: criteria provided, multiple submitters, no conflicts (2 of 4 stars). 16 submissions from 16 submitters: Pathogenic (13). 3 of the submissions do not count toward it. Last evaluated 2026-06-04.

Conditions:
RET-related disorder. Also called: RET-related disorders; RET-related condition; RET-related disease.
Hereditary cancer-predisposing syndrome. Also called: Neoplastic Syndromes, Hereditary; Hereditary neoplastic syndrome; Tumor predisposition; Hereditary Cancer Syndrome. Identifiers: Orphanet 140162, MedGen C0027672, MeSH D009386, MONDO:0015356.
MEN2 phenotype: Unclassified. Identifiers: MedGen CN311636.
Multiple endocrine neoplasia, type 2 (MEN2). Identifiers: Orphanet 653, MedGen C4048306, MONDO:0019003. Disease mechanism: gain of function.
Multiple endocrine neoplasia type 2A. Also called: Multiple Endocrine Neoplasia Type 2A (MEN2A); MULTIPLE ENDOCRINE NEOPLASIA, TYPE IIA; PTC SYNDROME; SIPPLE SYNDROME; MEN 2A; MEN-2A syndrome. Identifiers: Orphanet 247698, Orphanet 653, MedGen C0025268, MeSH D018813, MONDO:0008234, OMIM 171400.
Keratoconus 1 (KTCN1). Identifiers: MedGen C1835677, MONDO:0007851, OMIM 148300.

Allele frequency attached by ClinVar (database versions not stated): gnomAD exomes below 0.00001.
gnomAD v4.1: 1 of 1,613,342 alleles (0.000062%); highest among the groups gnomAD compares: Non-Finnish European, 0.000085%; no homozygotes.

Submissions 1 to 7 of 16:

Myriad Genetics, Inc.
Classification: Pathogenic for Multiple endocrine neoplasia type 2A. Last evaluated: 2026-06-04. Review status: criteria provided, single submitter. Criteria: Myriad Autosomal Dominant, Autosomal Recessive and X-Linked Classification Criteria (2023). Collection method: clinical testing. Allele origin: unknown.
Comment: This variant is considered pathogenic. This variant has been reported in multiple individuals with clinical features of gene-specific disease [PMID: 33827484, 33397040, 29760189, 31043326, 25720320, 25810047].

Cambridge Genomics Laboratory, East Genomic Laboratory Hub, NHS Genomic Medicine Service
Classification: Pathogenic for Multiple endocrine neoplasia type 2. Last evaluated: 2026-04-27. Review status: criteria provided, single submitter. Criteria: ACGS Best Practice Guidelines for Variant Classification in Rare Disease 2020. Collection method: clinical testing. Allele origin: germline. Affected: yes.
Comment: PS4_Supporting,PM1,PM2,PP1_Strong,PP3,PP4

Center for Genomic Medicine, Rigshospitalet, Copenhagen University Hospital
Classification: Pathogenic. Last evaluated: 2025-12-29. Review status: criteria provided, single submitter. Criteria: ACMG Guidelines, 2015. Collection method: clinical testing. Allele origin: germline.
Comment: Classification criteria: PM5, PM2_supporting, PP3_strong, PP1, PM1

Labcorp Genetics (formerly Invitae), Labcorp
Classification: Pathogenic for Multiple endocrine neoplasia, type 2. Last evaluated: 2025-12-29. Review status: criteria provided, single submitter. Criteria: Invitae Variant Classification Sherloc (09022015). Collection method: clinical testing. Allele origin: germline.
Comment: This sequence change replaces cysteine, which is neutral and slightly polar, with tyrosine, which is neutral and polar, at codon 611 of the RET protein (p.Cys611Tyr). This variant is not present in population databases (gnomAD no frequency). This missense change has been observed in individuals with multiple endocrine neoplasia type 2 (PMID: 8765374, 11395220, 11688458, 14561794, 16712668, 17639058, 20979234, 27809725, 28099363). It is commonly reported in individuals of Danish ancestry (PMID: 8765374, 11395220, 11688458, 14561794, 16712668, 17639058, 20979234, 27809725, 28099363). This variant is also known as G2027A. ClinVar contains an entry for this variant (Variation ID: 24898). An algorithm developed to predict the effect of missense changes on protein structure and function (PolyPhen-2) suggests that this variant is likely to be disruptive. Experimental studies have shown that this missense change affects RET function (PMID: 9230192). For these reasons, this variant has been classified as Pathogenic.

ARUP Laboratories, Molecular Genetics and Genomics, ARUP Laboratories
Classification: Pathogenic. Last evaluated: 2025-05-07. Review status: criteria provided, single submitter. Criteria: ARUP Molecular Germline Variant Investigation Process 2024. Collection method: clinical testing. Allele origin: germline.
Comment: The RET c.1832G>A; p.Cys611Tyr variant (rs377767397, ClinVar Variation ID: 24898) is reported in the literature in individuals with classic MEN2 with a moderate medullary thyroid carcinoma (MTC) risk level, incidence of pheochromocytoma, and incidence of hyperparathyroidism (Kaserer 2011, Li 2021, Wells 2015). This variant is absent from the Genome Aggregation Database (v2.1.1), indicating it is not a common polymorphism. This variant lies within a cysteine rich domain; pathogenic variants resulting in the loss of a cysteine residue are common in these repeats and are predicted to disrupt protein structure, resulting in aberrant activation of the RET protein (Amoresano 2005, Chappuis-Flament 1998, Ito 1997). Based on available information, this variant is considered to be pathogenic. References: Amoresano A et al. Direct interactions among Ret, GDNF and GFRalpha1 molecules reveal new insights into the assembly of a functional three-protein complex. Cell Signal. 2005 Jun;17(6):717-27. PMID: 15722196. Chappuis-Flament S et al. Dual effect on the RET receptor of MEN 2 mutations affecting specific extracytoplasmic cysteines. Oncogene. 1998 Dec 3;17(22):2851-61. PMID: 9879991. Ito S et al. Biological properties of Ret with cysteine mutations correlate with multiple endocrine neoplasia type 2A, familial medullary thyroid carcinoma, and Hirschsprung's disease phenotype. Cancer Res. 1997 Jul 15;57(14):2870-2. PMID: 9230192. Kaserer K et al. Sporadic versus familial medullary thyroid microcarcinoma: a histopathologic study of 50 consecutive patients. Am J Surg Pathol. 2001 Oct;25(10):1245-51. PMID: 11688458. Li Y et al. Multiple endocrine neoplasia 2A with RET mutation p.Cys611Tyr: A case report. Medicine (Baltimore). 2021 Jun 4;100(22):e26230. PMID: 34087905. Wells SA et al. (2015) Revised American Thyroid Association guidelines for the management of medullary thyroid carcinoma. Thyroid. 25(6):567-610. PMID: 25810047.

Women's Health and Genetics/Laboratory Corporation of America, LabCorp
Classification: Pathogenic for MEN2 phenotype: Unclassified. Last evaluated: 2025-01-06. Review status: criteria provided, single submitter. Criteria: LabCorp Variant Classification Summary - May 2015. Collection method: clinical testing. Allele origin: germline.
Comment: Variant summary: RET c.1832G>A (p.Cys611Tyr) results in a non-conservative amino acid change located in the Cysteine Rich Domain (IPR055162) of the encoded protein sequence. Five of five in-silico tools predict a damaging effect of the variant on protein function. The variant was absent in 248902 control chromosomes. c.1832G>A has been reported in the literature in multiple individuals from a family affected with features of Multiple Endocrine Neoplasia Type 2 (example, Qi_2018). These data indicate that the variant is very likely to be associated with disease. At least one publication reports experimental evidence evaluating an impact on protein function. The most pronounced variant effect results in 30% of normal activity in NIH 3T3 cells (Ito_CR_1997). The following publications have been ascertained in the context of this evaluation (PMID: 9230192, 30300539). ClinVar contains an entry for this variant (Variation ID: 24898). Based on the evidence outlined above, the variant was classified as pathogenic.

All of Us Research Program, National Institutes of Health
Classification: Pathogenic for Multiple endocrine neoplasia, type 2. Last evaluated: 2024-08-19. Review status: criteria provided, single submitter. Criteria: ACMG Guidelines, 2015. Collection method: clinical testing. Allele origin: germline. Inheritance: Autosomal dominant inheritance. Observed: 1 variant allele, 1 heterozygote.
Comment: The c.1832G>A variant in the RET gene is located on exon 10 and replaces cysteine with tyrosine in codon 611 of RET protein (p.Cys611Tyr). This missense change has been observed in multiple unrelated individuals with hereditary medullary thyroid carcinoma (PMID: 29020875, 29760189, 34777782, 33827484, 30300539, 29656518, 36780067, 33397040). This variant has been reported frequently in studies conducted in Danish cohorts and is thought to be founder mutation (PMID: 29020875, 29760189). This variant has been reported to segregate with disease within members of the same family (PMID: 30300539). Late-onset and asymptomatic individuals have also been reported (PMID: 31409511, 29656518, 30300539). This variant has been classified as pathogenic by multiple submitters in ClinVar (variation ID:24898). Additionally, missense substitutions affecting the same amino acid Cys611, have been interpreted as pathogenic in ClinVar (variation ID: 24897, 24896, 24899, 13913). Computational prediction suggests that this variant may have a deleterious impact on protein structure and function (REVEL score 0.963). This variant is extremely rare in the general population database, gnomAD (1/627966 chromosomes). For these reasons, the c.1832G>A (p.Cys611Tyr) variant in RET gene is classified as pathogenic.

This study involves interpretation of variants in research participants for the purpose of population health screening. Participant phenotype was not available at the time of variant classification. Additional details can be found in publication PMID: 35346344, PMCID: PMC8962531

NM_020975.6(RET):c.1832G>A (p.Cys611Tyr)

Gene: RET (ret proto-oncogene; plus strand). Cytogenetic location: 10q11.21.
Variant type: single nucleotide variant.
Coding change: c.1832G>A on transcript NM_020975.6 (MANE Select); coding-DNA position 1832, G replaced by A.
Protein change: p.Cys611Tyr; replaces cysteine 611 with tyrosine.
Molecular consequence: missense variant.
Genome position (GRCh38, 1-based): chr10:43,113,628, G>A. VCF-style: chr10-43113628-G-A. GRCh37 (hg19) VCF-style: chr10-43609076-G-A.
Other names: c.1832G>A, p.Cys611Tyr (NM_000323.2, NM_001406743.1, NM_001406744.1 and 6 more transcripts); c.1070G>A, p.Cys357Tyr (NM_001355216.2); c.1703G>A, p.Cys568Tyr (NM_001406761.1, NM_001406762.1, NM_001406764.1 and 1 more transcripts); c.1544G>A, p.Cys515Tyr (NM_001406766.1, NM_001406767.1, NM_001406770.1); c.1436G>A, p.Cys479Tyr (NM_001406769.1, NM_001406772.1); c.1394G>A, p.Cys465Tyr (NM_001406771.1, NM_001406773.1); c.1307G>A, p.Cys436Tyr (NM_001406774.1); c.1106G>A, p.Cys369Tyr (NM_001406775.1, NM_001406776.1, NM_001406777.1 and 1 more transcripts); and 5 more; short protein forms C357Y, C269Y, C479Y, C128Y, C216Y, C281Y, C312Y, C369Y.
Identifiers: ClinVar variation 24898 (VCV000024898.44), dbSNP rs377767397, ClinGen allele CA007934.
Genomic context (GRCh38, chr10:43,113,628, plus strand): 5'-TTGGGGGACACGAGCCTGGGGAGCCCCGGGGGATTAAAGCTGGCTATGGCACCTGCAACT[G>A]CTTCCCTGAGGAGGAGAAGTGCTTCTGCGAGCCCGAAGACATCCAGGGTGAGTGGGTGGC-3'
Protein context (NP_066124.1, residues 601-621): GIKAGYGTCN[Cys611Tyr]FPEEEKCFCE